The following is an entry in ClinVar:

ClinVar aggregate classification (germline): Uncertain significance (1 of 4 stars; one submission).

Allele frequency attached by ClinVar (database versions not stated): ExAC 0.00001; gnomAD 0.00001; gnomAD exomes 0.00001; TOPMed 0.00002; ESP Exome Variant Server 0.00016.
gnomAD v4.1: 21 of 1,614,046 alleles (0.0013%); highest among the groups gnomAD compares: East Asian, 0.0089%; no homozygotes.

Submission:

Labcorp Genetics (formerly Invitae), Labcorp
Classification: Uncertain significance. Last evaluated: 2023-01-24. Review status: criteria provided, single submitter. Criteria: Invitae Variant Classification Sherloc (09022015). Collection method: clinical testing. Allele origin: germline.
Comment: This sequence change replaces arginine, which is basic and polar, with tryptophan, which is neutral and slightly polar, at codon 169 of the RSPO1 protein (p.Arg169Trp). The frequency data for this variant in the population databases is considered unreliable, as metrics indicate poor data quality at this position in the gnomAD database. This variant has not been reported in the literature in individuals affected with RSPO1-related conditions. Algorithms developed to predict the effect of missense changes on protein structure and function are either unavailable or do not agree on the potential impact of this missense change (SIFT: "Deleterious"; PolyPhen-2: "Probably Damaging"; Align-GVGD: "Class C0"). In summary, the available evidence is currently insufficient to determine the role of this variant in disease. Therefore, it has been classified as a Variant of Uncertain Significance.

NM_001242908.2(RSPO1):c.505C>T (p.Arg169Trp)

Gene: RSPO1 (R-spondin 1; minus strand). Cytogenetic location: 1p34.3.
Variant type: single nucleotide variant.
Coding change: c.505C>T on transcript NM_001242908.2 (MANE Select); coding-DNA position 505, C replaced by T.
Protein change: p.Arg169Trp; replaces arginine 169 with tryptophan.
Molecular consequence: missense variant. On other transcripts: intron variant (1).
Genome position (GRCh38, 1-based): chr1:37,613,824, G>A on the plus strand (C>T on the coding strand, the complement: RSPO1 is on the minus strand). VCF-style: chr1-37613824-G-A. GRCh37 (hg19) VCF-style: chr1-38079496-G-A.
Other names: c.505C>T, p.Arg169Trp (NM_001038633.4); c.424C>T, p.Arg142Trp (NM_001242909.2); c.436+360C>T (NM_001242910.2); short protein forms R142W, R169W.
Identifiers: ClinVar variation 2188215 (VCV002188215.4), dbSNP rs374906144, ClinGen allele CA772604.